The following is an entry in ClinVar:

ClinVar aggregate classification (germline): Uncertain significance (1 of 4 stars; one submission).

Conditions:
Neuronal ceroid lipofuscinosis. Also called: Neuronal Ceroid Lipofuscinoses. Identifiers: Orphanet 216, Orphanet 79263, MedGen C0027877, MONDO:0016295. Disease mechanism: loss of function.

Submission:

Labcorp Genetics (formerly Invitae), Labcorp
Classification: Uncertain significance for Neuronal ceroid lipofuscinosis. Last evaluated: 2022-08-12. Review status: criteria provided, single submitter. Criteria: Invitae Variant Classification Sherloc (09022015). Collection method: clinical testing. Allele origin: germline.
Comment: In summary, the available evidence is currently insufficient to determine the role of this variant in disease. Therefore, it has been classified as a Variant of Uncertain Significance. Algorithms developed to predict the effect of missense changes on protein structure and function output the following: SIFT: "Tolerated"; PolyPhen-2: "Benign"; Align-GVGD: "Class C0". The serine amino acid residue is found in multiple mammalian species, which suggests that this missense change does not adversely affect protein function. ClinVar contains an entry for this variant (Variation ID: 1449495). This variant has not been reported in the literature in individuals affected with CLN3-related conditions. This variant is not present in population databases (gnomAD no frequency). This sequence change replaces glycine, which is neutral and non-polar, with serine, which is neutral and polar, at codon 3 of the CLN3 protein (p.Gly3Ser).

NM_001042432.2(CLN3):c.7G>A (p.Gly3Ser)

Gene: CLN3 (CLN3 lysosomal/endosomal transmembrane protein, battenin; minus strand). Cytogenetic location: 16p12.1.
Variant type: single nucleotide variant.
Coding change: c.7G>A on transcript NM_001042432.2 (MANE Select); coding-DNA position 7, G replaced by A.
Protein change: p.Gly3Ser; replaces glycine 3 with serine.
Molecular consequence: missense variant. On other transcripts: 5 prime UTR variant (3).
Genome position (GRCh38, 1-based): chr16:28,491,753, C>T on the plus strand (G>A on the coding strand, the complement: CLN3 is on the minus strand). VCF-style: chr16-28491753-C-T. GRCh37 (hg19) VCF-style: chr16-28503074-C-T.
Other names: c.7G>A, p.Gly3Ser (NM_001286104.2, NM_000086.2); c.-135G>A (NM_001286105.2); c.-77G>A (NM_001286109.2, NM_001286110.2); short protein forms G3S.
Identifiers: ClinVar variation 1449495 (VCV001449495.6), dbSNP rs1398814860, ClinGen allele CA395347579.